The following is an entry in ClinVar:

ClinVar aggregate classification (germline): Pathogenic. Review status: criteria provided, multiple submitters, no conflicts (2 of 4 stars). 2 submissions from 2 submitters: Pathogenic (2). Last evaluated 2026-07-21.

Conditions:
Familial cancer of breast. Also called: Hereditary breast cancer; hereditary breast carcinoma; BREAST CANCER, FAMILIAL. Identifiers: Orphanet 227535, MedGen C0346153, MONDO:0016419, OMIM 114480. Disease mechanism: loss of function.
Hereditary cancer-predisposing syndrome. Also called: Neoplastic Syndromes, Hereditary; Tumor predisposition; Hereditary Cancer Syndrome; Hereditary neoplastic syndrome. Identifiers: Orphanet 140162, MedGen C0027672, MeSH D009386, MONDO:0015356.

Submissions (2):

Ambry Genetics
Classification: Pathogenic for Hereditary cancer-predisposing syndrome. Last evaluated: 2026-07-21. Review status: criteria provided, single submitter. Criteria: Ambry Variant Classification Scheme 2023. Collection method: clinical testing. Allele origin: germline.
Comment: The p.C243* pathogenic mutation (also known as c.729T>A), located in coding exon 5 of the CHEK2 gene, results from a T to A substitution at nucleotide position 729. This changes the amino acid from a cysteine to a stop codon within coding exon 5. In an assay testing CHEK2 function, this variant showed a functionally abnormal result (McCarthy-Leo CE et al. PLoS Genet, 2024 Aug;20:e1011375). This variant is considered to be rare based on population cohorts in the Genome Aggregation Database (gnomAD). This variant is expected to result in loss of function by premature protein truncation or nonsense-mediated mRNA decay. As such, this variant is interpreted as a disease-causing mutation.

Myriad Genetics, Inc.
Classification: Pathogenic for Familial cancer of breast. Last evaluated: 2026-05-05. Review status: criteria provided, single submitter. Criteria: Myriad Autosomal Dominant, Autosomal Recessive and X-Linked Classification Criteria (2023). Collection method: clinical testing. Allele origin: unknown.
Comment: This variant is considered pathogenic. This variant creates a termination codon and is predicted to result in premature protein truncation.

Literature cited by the submitters: PubMed 39146382 (cited by Ambry Genetics).

NM_007194.4(CHEK2):c.729T>A (p.Cys243Ter)

Gene: CHEK2 (checkpoint kinase 2; minus strand). Cytogenetic location: 22q12.1.
Variant type: single nucleotide variant.
Coding change: c.729T>A on transcript NM_007194.4 (MANE Select); coding-DNA position 729, T replaced by A.
Protein change: p.Cys243Ter; replaces cysteine 243 with a stop codon.
Molecular consequence: nonsense.
Genome position (GRCh38, 1-based): chr22:28,711,972, A>T on the plus strand (T>A on the coding strand, the complement: CHEK2 is on the minus strand). VCF-style: chr22-28711972-A-T. GRCh37 (hg19) VCF-style: chr22-29107960-A-T.
Other names: c.858T>A, p.Cys286Ter (NM_001005735.3, NM_001438294.1); c.66T>A, p.Cys22Ter (NM_001257387.3, NM_001437942.1); c.528T>A, p.Cys176Ter (NM_001349956.3); c.822T>A, p.Cys274Ter (NM_001438293.1, NM_001438295.1); c.729T>A, p.Cys243Ter (NM_145862.3); c.729T>A (NM_007194.3); short protein forms C176*, C22*, C243*, C274*, C286*.
Identifiers: ClinVar variation 4876166 (VCV004876166.2).
Genomic context (GRCh38, chr22:28,711,972, plus strand): 5'-CTCTCTTGCTGAACCAATAGCAAACTTCCTTTTGCTGATGATCTTTATGGCTACTTTCTT[A>T]CATGTTTTCCTCTCGAAAGCCAGCTTTACCTCTCCACAGGCACCACTAGAGGGAAAAACA-3'